The following is an entry in ClinVar:

NM_000093.5(COL5A1):c.104G>A (p.Arg35His)

Gene: COL5A1 (collagen type V alpha 1 chain; plus strand). Cytogenetic location: 9q34.3.
Variant type: single nucleotide variant.
Coding change: c.104G>A on transcript NM_000093.5 (MANE Select); coding-DNA position 104, G replaced by A.
Protein change: p.Arg35His; replaces arginine 35 with histidine.
Molecular consequence: missense variant.
Genome position (GRCh38, 1-based): chr9:134,642,291, G>A. VCF-style: chr9-134642291-G-A. GRCh37 (hg19) VCF-style: chr9-137534137-G-A.
Other names: c.104G>A, p.Arg35His (NM_001278074.1); short protein forms R35H.
Identifiers: ClinVar variation 2010515 (VCV002010515.4), dbSNP rs1170658868, ClinGen allele CA375444102.

ClinVar aggregate classification (germline): Uncertain significance (1 of 4 stars; one submission).

Conditions:
Ehlers-Danlos syndrome, classic type, 1 (EDSCL1). Also called: EHLERS-DANLOS SYNDROME, GRAVIS TYPE; EHLERS-DANLOS SYNDROME, SEVERE CLASSIC TYPE; Ehlers-Danlos syndrome, type 1; EDS I; Ehlers-Danlos Syndrome, Classic Type, COL5A1-Related. Identifiers: MedGen C0268335, MONDO:0019567, OMIM 130000.

Allele frequency attached by ClinVar (database versions not stated): gnomAD exomes below 0.00001.
gnomAD v4.1: 2 of 1,094,886 alleles (0.00018%); highest among the groups gnomAD compares: Non-Finnish European, 0.00023%; no homozygotes.

Submission:

Labcorp Genetics (formerly Invitae), Labcorp
Classification: Uncertain significance for Ehlers-Danlos syndrome, classic type, 1. Last evaluated: 2022-06-25. Review status: criteria provided, single submitter. Criteria: Invitae Variant Classification Sherloc (09022015). Collection method: clinical testing. Allele origin: germline.
Comment: This variant has not been reported in the literature in individuals affected with COL5A1-related conditions. In summary, the available evidence is currently insufficient to determine the role of this variant in disease. Therefore, it has been classified as a Variant of Uncertain Significance. Advanced modeling of protein sequence and biophysical properties (such as structural, functional, and spatial information, amino acid conservation, physicochemical variation, residue mobility, and thermodynamic stability) performed at Invitae indicates that this missense variant is not expected to disrupt COL5A1 protein function. This variant is not present in population databases (gnomAD no frequency). This sequence change replaces arginine, which is basic and polar, with histidine, which is basic and polar, at codon 35 of the COL5A1 protein (p.Arg35His).